The following is an entry in ClinVar:

ClinVar aggregate classification (germline): Pathogenic (1 of 4 stars; one submission).

Conditions:
Charcot-Marie-Tooth Neuropathy X. Identifiers: MedGen CN118851.

Submission:

Labcorp Genetics (formerly Invitae), Labcorp
Classification: Pathogenic for Charcot-Marie-Tooth Neuropathy X. Last evaluated: 2025-08-25. Review status: criteria provided, single submitter. Criteria: Invitae Variant Classification Sherloc (09022015). Collection method: clinical testing. Allele origin: germline.
Comment: This sequence change replaces glutamic acid, which is acidic and polar, with glycine, which is neutral and non-polar, at codon 41 of the GJB1 protein (p.Glu41Gly). This variant is not present in population databases (gnomAD no frequency). This missense change has been observed in individual(s) with clinical features of Charcot-Marie-Tooth disease (internal data). In at least one individual the variant was observed to be de novo. Invitae Evidence Modeling of protein sequence and biophysical properties (such as structural, functional, and spatial information, amino acid conservation, physicochemical variation, residue mobility, and thermodynamic stability) has been performed for this missense variant. However, the output from this modeling did not meet the statistical confidence thresholds required to predict the impact of this variant on GJB1 protein function. This variant disrupts the p.Glu41 amino acid residue in GJB1. Other variant(s) that disrupt this residue have been observed in individuals with GJB1-related conditions (PMID: 16688595, 36397455), which suggests that this may be a clinically significant amino acid residue. For these reasons, this variant has been classified as Pathogenic.

Literature cited by the submitters: PubMed 16688595; PubMed 36397455.

NM_000166.6(GJB1):c.122A>G (p.Glu41Gly)

Gene: GJB1 (gap junction protein beta 1; plus strand). Cytogenetic location: Xq13.1.
Variant type: single nucleotide variant.
Coding change: c.122A>G on transcript NM_000166.6 (MANE Select); coding-DNA position 122, A replaced by G.
Protein change: p.Glu41Gly; replaces glutamic acid 41 with glycine.
Molecular consequence: missense variant.
Genome position (GRCh38, 1-based): chrX:71,223,829, A>G. VCF-style: chrX-71223829-A-G. GRCh37 (hg19) VCF-style: chrX-70443679-A-G.
Other names: c.122A>G, p.Glu41Gly (NM_001097642.3, NM_001440770.1); short protein forms E41G.
Identifiers: ClinVar variation 4710051 (VCV004710051.1).